The following is an entry in ClinVar:

NM_001042492.3(NF1):c.7616-10T>C

Gene: NF1 (neurofibromin 1; plus strand). Cytogenetic location: 17q11.2.
Variant type: single nucleotide variant.
Coding change: c.7616-10T>C on transcript NM_001042492.3 (MANE Select); 10 bases into the intron before coding-DNA position 7616, T replaced by C.
Molecular consequence: intron variant.
Genome position (GRCh38, 1-based): chr17:31,356,450, T>C. VCF-style: chr17-31356450-T-C. GRCh37 (hg19) VCF-style: chr17-29683468-T-C.
Other names: c.7553-10T>C (NM_000267.4).
Identifiers: ClinVar variation 1692351 (VCV001692351.7), dbSNP rs2070272477, ClinGen allele CA982986229.
Genomic context (GRCh38, chr17:31,356,450, plus strand): 5'-CTTTTTAGTGTATTCCCATTTATAGACACTGTAGTTAATGAACTTGCATATTCTTAACTT[T>C]TGTTTATAGGAACAAGGAAAAGTTTTGATCACTTGATATCAGACACAAAGGCTCCTAAAA-3'

ClinVar aggregate classification (germline): Conflicting classifications of pathogenicity. Review status: criteria provided, conflicting classifications (1 of 4 stars). 3 submissions from 3 submitters: Uncertain significance (1); Likely benign (2). Last evaluated 2026-05-14.

Conditions:
Hereditary cancer-predisposing syndrome. Also called: Neoplastic Syndromes, Hereditary; Tumor predisposition; Hereditary neoplastic syndrome; Hereditary Cancer Syndrome. Identifiers: Orphanet 140162, MedGen C0027672, MeSH D009386, MONDO:0015356.
Neurofibromatosis, type 1 (NF1). Also called: VON RECKLINGHAUSEN DISEASE; NEUROFIBROMATOSIS, TYPE I, SOMATIC; Neurofibromatosis, type I; Peripheral type neurofibromatosis. Identifiers: Orphanet 636, MedGen C0027831, MONDO:0018975, OMIM 162200. Disease mechanism: loss of function.

Allele frequency attached by ClinVar (database versions not stated): gnomAD 0.00001.
gnomAD v4.1: 1 of 1,612,848 alleles (0.000062%); highest among the groups gnomAD compares: Admixed American, 0.0017%; no homozygotes.

Submissions (3):

Myriad Genetics, Inc.
Classification: Likely benign for Neurofibromatosis, type 1. Last evaluated: 2026-05-14. Review status: criteria provided, single submitter. Criteria: Myriad Autosomal Dominant, Autosomal Recessive and X-Linked Classification Criteria (2023). Collection method: clinical testing. Allele origin: unknown.
Comment: This variant is considered likely benign. This variant is intronic and is not expected to impact mRNA splicing.

Labcorp Genetics (formerly Invitae), Labcorp
Classification: Likely benign for Neurofibromatosis, type 1. Last evaluated: 2024-07-26. Review status: criteria provided, single submitter. Criteria: Invitae Variant Classification Sherloc (09022015). Collection method: clinical testing. Allele origin: germline.

Sema4
Classification: Uncertain significance for Hereditary cancer-predisposing syndrome. Last evaluated: 2021-05-06. Review status: criteria provided, single submitter. Criteria: Sema4 Curation Guidelines. Collection method: curation. Allele origin: germline.
Comment: The NF1 c.7553-10T>C variant has not been reported in the literature to our knowledge. This variant was not observed in the large and broad cohorts of the Genome Aggregation Database. The variant has not been reported in Clinvar. In silico tools developed to predict the effect of sequence changes on RNA splicing suggest that this variant does not disrupt the consensus splice site, although these predictions have not been confirmed by functional studies. The overall evidence is insufficient to meet ACMG/AMP criteria for classifying it as benign or pathogenic. Thus, the clinical significance of this variant is currently uncertain.